The following is an entry in ClinVar:

ClinVar aggregate classification (germline): Likely pathogenic. Review status: criteria provided, single submitter (1 of 4 stars). 2 submissions from 2 submitters: Likely pathogenic (1). 1 of the submissions does not count toward it. Last evaluated 2025-11-12.

Conditions:
Epidermolysis bullosa dystrophica. Also called: Dystrophic epidermolysis bullosa, Hallopeau-Siemens type (formerly); Dystrophic epidermolysis bullosa. Identifiers: Orphanet 303, MedGen C0079294, MONDO:0006543.
Transient bullous dermolysis of the newborn (TBDN). Also called: DYSTROPHIC EPIDERMOLYSIS BULLOSA, NEONATAL; EPIDERMOLYSIS BULLOSA DYSTROPHICA, NEONATAL FORM. Identifiers: Orphanet 79411, MedGen C1851573, MONDO:0007548, OMIM 131705.

Submissions (2):

Natera, Inc.
Classification: Likely pathogenic for Dystrophic epidermolysis bullosa. Last evaluated: 2025-11-12. Review status: criteria provided, single submitter. Criteria: Natera Variant Classification Schema (03/2026). Collection method: clinical testing. Allele origin: germline.
Comment: The c.4556G>A variant in COL7A1 is a missense variant predicted to cause substitution of glycine to aspartic acid at amino acid 1519. This variant is rare in the general population with a frequency below the threshold expected for the associated phenotype(s). This variant has been observed in one or more individuals affected with the associated recessive disease, as either homozygous or compound heterozygous with a second variant (PMID: 36287101, 9856844). This variant has been identified in one or more affected individuals with a phenotype highly consistent with the associated gene (PMID: 36287101). Computational prediction algorithms indicate this variant is likely to affect gene or protein function. Given the available evidence, this variant is classified as Likely Pathogenic.

OMIM
Classification: Pathogenic for TRANSIENT BULLOUS DERMOLYSIS OF THE NEWBORN. Last evaluated: 1998-12-01. Review status: no assertion criteria provided. Collection method: literature only. Allele origin: germline. Not counted in ClinVar's aggregate classification.

Literature cited by the submitters: PubMed 36287101 (cited by Natera, Inc.); PubMed 9856844 (cited by Natera, Inc. and OMIM).

NM_000094.4(COL7A1):c.4556G>A (p.Gly1519Asp)

Gene: COL7A1 (collagen type VII alpha 1 chain; minus strand). Cytogenetic location: 3p21.31.
Variant type: single nucleotide variant.
Coding change: c.4556G>A on transcript NM_000094.4 (MANE Select); coding-DNA position 4556, G replaced by A.
Protein change: p.Gly1519Asp; replaces glycine 1519 with aspartic acid.
Molecular consequence: missense variant.
Genome position (GRCh38, 1-based): chr3:48,582,616, C>T on the plus strand (G>A on the coding strand, the complement: COL7A1 is on the minus strand). VCF-style: chr3-48582616-C-T. GRCh37 (hg19) VCF-style: chr3-48620049-C-T.
Other names: c.4556G>A (NM_000094.3); short protein forms G1519D.
Identifiers: ClinVar variation 17437 (VCV000017437.3), dbSNP rs121912835, ClinGen allele CA257942.
Genomic context (GRCh38, chr3:48,582,616, plus strand): 5'-GGGAGGGACACACAAAAGTCCCACTCCTGGTCCCACCACAGTCACAGACTCACTTCAGGA[C>T]CCTTGGCTCCAGGACGTCCAGCAACCCCTGGCAGCCCCTGGAGGAGAGGAAGGGAAGAGC-3'
Protein context (NP_000085.1, residues 1509-1529): PGVAGRPGAK[Gly1519Asp]PEGPPGPTGR